The following is an entry in ClinVar:

NM_053025.4(MYLK):c.1775T>C (p.Val592Ala)

Gene: MYLK (myosin light chain kinase; minus strand). Cytogenetic location: 3q21.1.
Variant type: single nucleotide variant.
Coding change: c.1775T>C on transcript NM_053025.4 (MANE Select); coding-DNA position 1775, T replaced by C.
Protein change: p.Val592Ala; replaces valine 592 with alanine.
Molecular consequence: missense variant.
Genome position (GRCh38, 1-based): chr3:123,722,157, A>G on the plus strand (T>C on the coding strand, the complement: MYLK is on the minus strand). VCF-style: chr3-123722157-A-G. GRCh37 (hg19) VCF-style: chr3-123441004-A-G.
Other names: c.1247T>C, p.Val416Ala (NM_001321309.2); c.1568T>C, p.Val523Ala (NM_053026.4, NM_053028.4); c.1775T>C, p.Val592Ala (NM_053027.4); short protein forms V592A, V416A, V523A.
Identifiers: ClinVar variation 626514 (VCV000626514.5), dbSNP rs374420141, ClinGen allele CA067479.
Genomic context (GRCh38, chr3:123,722,157, plus strand): 5'-TGCTTCTACCCAGGTGCCCAGAGGCTCCTACCATGGACGGTGACCCAGGCGCTGCAGGAC[A>G]CCTGCCCCAAGGCATTCTCAGCTAGGCAGGTGTAGGTGCCATGGTCCTCCGGCAGGGCAT-3'
Protein context (NP_444253.3, residues 582-602): TCLAENALGQ[Val592Ala]SCSAWVTVHE

ClinVar aggregate classification (germline): Uncertain significance. Review status: criteria provided, multiple submitters, no conflicts (2 of 4 stars). 3 submissions from 3 submitters: Uncertain significance (3). Last evaluated 2021-11-19.

Conditions:
Familial thoracic aortic aneurysm and aortic dissection (TAAD). Also called: Thoracic aortic aneurysms and dissections. Identifiers: Orphanet 91387, MedGen C4707243, MONDO:0019625.
Megacystis-microcolon-intestinal hypoperistalsis syndrome 1. Identifiers: MedGen C5542316, MONDO:0100354, OMIM 249210.
Aortic aneurysm, familial thoracic 7 (AAT7). Also called: AORTIC DISSECTION, FAMILIAL, WITH OR WITHOUT AORTIC ANEURYSM. Identifiers: MedGen C3151077, MONDO:0013418, OMIM 613780.

Allele frequency attached by ClinVar (database versions not stated): gnomAD exomes below 0.00001 and 0.00001; TOPMed 0.00002; gnomAD 0.00006; ExAC 0.00008; ESP Exome Variant Server 0.00008.
gnomAD v4.1: 14 of 1,565,082 alleles (0.00089%); highest among the groups gnomAD compares: African/African-American, 0.015%; no homozygotes.

Submissions (3):

Ambry Genetics
Classification: Uncertain significance for Familial thoracic aortic aneurysm and aortic dissection. Last evaluated: 2021-11-19. Review status: criteria provided, single submitter. Criteria: Ambry Variant Classification Scheme 2023. Collection method: clinical testing. Allele origin: germline.
Comment: The p.V592A variant (also known as c.1775T>C), located in coding exon 10 of the MYLK gene, results from a T to C substitution at nucleotide position 1775. The valine at codon 592 is replaced by alanine, an amino acid with similar properties. This amino acid position is conserved. In addition, this alteration is predicted to be tolerated by in silico analysis. Since supporting evidence is limited at this time, the clinical significance of this alteration remains unclear.

Fulgent Genetics
Classification: Uncertain significance for Megacystis-microcolon-intestinal hypoperistalsis syndrome 1; Aortic aneurysm, familial thoracic 7. Last evaluated: 2021-09-07. Review status: criteria provided, single submitter. Criteria: ACMG Guidelines, 2015. Collection method: clinical testing. Allele origin: unknown.

CHEO Genetics Diagnostic Laboratory, Children's Hospital of Eastern Ontario
Classification: Uncertain significance for Familial thoracic aortic aneurysm and aortic dissection. Last evaluated: 2016-08-01. Review status: criteria provided, single submitter. Criteria: ACMG Guidelines, 2015. Collection method: clinical testing. Allele origin: germline. Study: Canadian Open Genetics Repository.